The following is an entry in ClinVar:

NM_005412.6(SHMT2):c.858-2A>G

Gene: SHMT2 (serine hydroxymethyltransferase 2; plus strand). Cytogenetic location: 12q13.3.
Variant type: single nucleotide variant.
Coding change: c.858-2A>G on transcript NM_005412.6 (MANE Select); the canonical splice acceptor site of the intron before coding-DNA position 858, A replaced by G.
Molecular consequence: splice acceptor variant.
Genome position (GRCh38, 1-based): chr12:57,233,178, A>G. VCF-style: chr12-57233178-A-G. GRCh37 (hg19) VCF-style: chr12-57626961-A-G.
Other names: c.828-2A>G (NM_001166356.2); c.795-2A>G (NM_001166358.2, NM_001166359.1, NM_001166357.1).
Identifiers: ClinVar variation 3393133 (VCV003393133.1).
Genomic context (GRCh38, chr12:57,233,178, plus strand): 5'-TGCCTTCTCTGTCCCTTGTCCTTCTTTTCAGCTTAGACTCTGACCATCCACCTCTCACAC[A>G]GGTCAGGGCTCATCTTCTACCGGAAAGGGGTGAAGGCTGTGGACCCCAAGACTGGCCGGG-3'

ClinVar aggregate classification (germline): no classifications from unflagged records (0 of 4 stars; one submission).

Conditions:
Neurodevelopmental disorder with cardiomyopathy, spasticity, and brain abnormalities. Identifiers: MedGen C5436848, MONDO:0030866, OMIM 619121.

Submission:

Genomic Medicine Center of Excellence, King Faisal Specialist Hospital and Research Centre
Classification: Likely pathogenic for Neurodevelopmental disorder with cardiomyopathy, spasticity, and brain abnormalities. Last evaluated: 2024-12-19. Review status: flagged submission. Criteria: ACMG Guidelines, 2015. Collection method: clinical testing. Allele origin: germline.
ClinVar note: Notes: Flagging candidate with reason of insufficient supporting evidence. This gene has been classified as having a limited gene-disease relationship by a ClinGen Expert Panel.
ClinVar note: Reason: P/LP classification for a variant in a gene with insufficient evidence for a gene-disease relationship